The following is an entry in ClinVar:

ClinVar aggregate classification (germline): Uncertain significance (1 of 4 stars; one submission).

Conditions:
Familial intrahepatic cholestasis. Identifiers: Orphanet 284385, MedGen CN296401, MONDO:0017290.

Submission:

Genomenon, Inc
Classification: Uncertain significance for Familial intrahepatic cholestasis. Last evaluated: 2026-04-14. Review status: criteria provided, single submitter. Criteria: Genomenon Sequence Variant Interpretation Standards - Updated. Collection method: curation. Allele origin: germline. Affected: yes.
Comment: ABCB11 p.Val597Gly (c.1790T>G) is a missense variant that changes the amino acid at residue 597 from Valine to Glycine. This variant has been observed in at least one proband with an ABCB11-related disorder (PMID:34961929). The variant was found to segregate with disease in at least one affected family (PMID:34961929). It is absent or not present at a significant frequency in gnomAD. In silico models predict that this variant is possibly or probably damaging. In conclusion, we classify ABCB11 p.Val597Gly (c.1790T>G) as a variant of uncertain significance.

Literature cited by the submitters: PubMed 34961929.

NM_003742.4(ABCB11):c.1790T>G (p.Val597Gly)

Gene: ABCB11 (ATP binding cassette subfamily B member 11; minus strand). Cytogenetic location: 2q31.1.
Variant type: single nucleotide variant.
Coding change: c.1790T>G on transcript NM_003742.4 (MANE Select); coding-DNA position 1790, T replaced by G.
Protein change: p.Val597Gly; replaces valine 597 with glycine.
Molecular consequence: missense variant.
Genome position (GRCh38, 1-based): chr2:168,970,064, A>C on the plus strand (T>G on the coding strand, the complement: ABCB11 is on the minus strand). VCF-style: chr2-168970064-A-C. GRCh37 (hg19) VCF-style: chr2-169826574-A-C.
Other names: short protein forms V597G.
Identifiers: ClinVar variation 4846208 (VCV004846208.1).